The following is an entry in ClinVar:

ClinVar aggregate classification (germline): Benign/Likely benign. Review status: criteria provided, multiple submitters, no conflicts (2 of 4 stars). 9 submissions from 9 submitters: Benign (2); Likely benign (6). 1 of the submissions does not count toward it. Last evaluated 2026-01-27.

Conditions:
SOS2-related disorder. Also called: SOS2-related condition.
Noonan syndrome and Noonan-related syndrome. Identifiers: Orphanet 98733, MedGen C5681679, MONDO:0020297.
Noonan syndrome 9 (NS9). Identifiers: Orphanet 648, MedGen C4225282, MONDO:0014691, OMIM 616559.
Cardiovascular phenotype. Identifiers: MedGen CN230736.

Allele frequency attached by ClinVar (database versions not stated): TOPMed 0.00015; gnomAD exomes 0.00019 and 0.00028; ExAC 0.00021; gnomAD 0.00027 and 0.00031; ESP Exome Variant Server 0.00038.
gnomAD v4.1: 441 of 1,609,644 alleles (0.027%); highest among the groups gnomAD compares: Non-Finnish European, 0.033%; no homozygotes.

Submissions (9):

Labcorp Genetics (formerly Invitae), Labcorp
Classification: Likely benign for Noonan syndrome 9. Last evaluated: 2026-01-27. Review status: criteria provided, single submitter. Criteria: Invitae Variant Classification Sherloc (09022015). Collection method: clinical testing. Allele origin: germline.

Mayo Clinic Laboratories, Mayo Clinic
Classification: Likely benign. Last evaluated: 2025-08-20. Review status: criteria provided, single submitter. Criteria: ACMG Guidelines, 2015. Collection method: clinical testing. Allele origin: germline. Observed: 1 variant allele.
Comment: BS1, BP4, BP7

Blueprint Genetics
Classification: Likely benign. Last evaluated: 2024-10-11. Review status: criteria provided, single submitter. Criteria: ACMG Guidelines, 2015. Collection method: clinical testing. Allele origin: germline.

CeGaT Center for Human Genetics Tuebingen
Classification: Likely benign. Last evaluated: 2023-02-01. Review status: criteria provided, single submitter. Criteria: CeGaT Center For Human Genetics Tuebingen Variant Classification Criteria Version 2. Collection method: clinical testing. Allele origin: germline. Affected: yes. Observed: 1 variant allele.
Comment: SOS2: BP4, BP7

Ambry Genetics
Classification: Likely benign for Cardiovascular phenotype. Last evaluated: 2022-02-20. Review status: criteria provided, single submitter. Criteria: Ambry Variant Classification Scheme 2023. Collection method: clinical testing. Allele origin: germline.

Women's Health and Genetics/Laboratory Corporation of America, LabCorp
Classification: Benign. Last evaluated: 2021-03-25. Review status: criteria provided, single submitter. Criteria: LabCorp Variant Classification Summary - May 2015. Collection method: clinical testing. Allele origin: germline.

Genome Diagnostics Laboratory, The Hospital for Sick Children
Classification: Likely benign for Noonan syndrome and Noonan-related syndrome. Last evaluated: 2020-01-01. Review status: criteria provided, single submitter. Criteria: ACMG Guidelines, 2015. Collection method: clinical testing. Allele origin: germline.

Genome-Nilou Lab
Classification: Benign for Noonan syndrome 9. Review status: criteria provided, single submitter. Criteria: ACMG Guidelines, 2015. Collection method: clinical testing. Allele origin: germline.

PreventionGenetics, part of Exact Sciences
Classification: Likely benign for SOS2-related condition. Last evaluated: 2020-04-13. Review status: no assertion criteria provided. Collection method: clinical testing. Allele origin: germline. Not counted in ClinVar's aggregate classification.
Comment: This variant is classified as likely benign based on ACMG/AMP sequence variant interpretation guidelines (Richards et al. 2015 PMID: 25741868, with internal and published modifications).

NM_006939.4(SOS2):c.2640A>G (p.Ser880=)

Gene: SOS2 (SOS Ras/Rho guanine nucleotide exchange factor 2; minus strand). Cytogenetic location: 14q21.3.
Variant type: single nucleotide variant.
Coding change: c.2640A>G on transcript NM_006939.4 (MANE Select); coding-DNA position 2640, A replaced by G.
Protein change: p.Ser880=; no amino-acid change (serine 880 retained).
Molecular consequence: synonymous variant.
Genome position (GRCh38, 1-based): chr14:50,145,197, T>C on the plus strand (A>G on the coding strand, the complement: SOS2 is on the minus strand). VCF-style: chr14-50145197-T-C. GRCh37 (hg19) VCF-style: chr14-50611915-T-C.
Other names: p.Ser880=.
Identifiers: ClinVar variation 542413 (VCV000542413.46), dbSNP rs146730136, ClinGen allele CA7176997.